The following is an entry in ClinVar:

ClinVar aggregate classification (germline): Pathogenic (0 of 4 stars; one submission).

Conditions:
Intellectual disability. Also called: Intellectual functioning disability; intellectual disabilities; Intellectual developmental disorder. Identifiers: MedGen C3714756, MeSH D008607, MONDO:0001071, HP:0001249.

Submission:

Institute of Human Genetics, University of Leipzig Medical Center
Classification: Pathogenic for Intellectual disability. Last evaluated: 2021-02-25. Review status: no assertion criteria provided. Collection method: clinical testing. Allele origin: paternal. Inheritance: Autosomal dominant inheritance. Affected: yes. Observed: 1 variant allele, 1 heterozygote.
Comment: The variant was reviewed according to current ClinGen recommendations and classified as Pathogenic (criteria: 1A(0), 2A(1), 3A(0), 4M(0.3), 5C(-0.15), Total score=1.15).

GRCh37/hg19 16p13.11(chr16:15126890-16293190)x3

Genes: PDXDC1 (pyridoxal dependent decarboxylase domain containing 1), RRN3 (RNA polymerase I transcription factor RRN3), MARF1 (meiosis regulator and mRNA stability factor 1; minus strand), MPV17L (MPV17 mitochondrial inner membrane protein like; plus strand), ABCC1 (ATP binding cassette subfamily C member 1 (ABCC1 blood group); plus strand) and 7 more. Cytogenetic location: 16p13.11.
Variant type: copy number gain.
Change: copy number 3 (three copies instead of two) of chr16:15,126,890-16,293,190 (1.17 Mb, GRCh37 coordinates, 1-based), cytogenetic band 16p13.11.
Identifiers: ClinVar variation 997965 (VCV000997965.1).